The following is an entry in ClinVar:

NM_005869.4(CWC27):c.1179A>G (p.Lys393=)

Gene: CWC27 (CWC27 spliceosome associated cyclophilin; plus strand). Cytogenetic location: 5q12.3.
Variant type: single nucleotide variant.
Coding change: c.1179A>G on transcript NM_005869.4 (MANE Select); coding-DNA position 1179, A replaced by G.
Protein change: p.Lys393=; no amino-acid change (lysine 393 retained).
Molecular consequence: synonymous variant. On other transcripts: intron variant (1).
Genome position (GRCh38, 1-based): chr5:64,977,161, A>G. VCF-style: chr5-64977161-A-G. GRCh37 (hg19) VCF-style: chr5-64272988-A-G.
Other names: c.1152+5349A>G (NM_001297644.1).
Identifiers: ClinVar variation 708060 (VCV000708060.12), dbSNP rs746957963, ClinGen allele CA3282252.

ClinVar aggregate classification (germline): Likely benign. Review status: criteria provided, multiple submitters, no conflicts (2 of 4 stars). 3 submissions from 3 submitters: Likely benign (3). Last evaluated 2025-12-03.

Conditions:
CWC27-related disorder. Also called: CWC27-related condition.

Allele frequency attached by ClinVar (database versions not stated): ExAC 0.00003; gnomAD 0.00003 and 0.00004; gnomAD exomes 0.00004; TOPMed 0.00005.
gnomAD v4.1: 17 of 1,611,864 alleles (0.0011%); highest among the groups gnomAD compares: Admixed American, 0.023%; no homozygotes.

Submissions (3):

Labcorp Genetics (formerly Invitae), Labcorp
Classification: Likely benign. Last evaluated: 2025-12-03. Review status: criteria provided, single submitter. Criteria: Invitae Variant Classification Sherloc (09022015). Collection method: clinical testing. Allele origin: germline.

PreventionGenetics, part of Exact Sciences
Classification: Likely benign for CWC27-related condition. Last evaluated: 2024-10-18. Review status: criteria provided, single submitter. Criteria: ACMG Guidelines, 2015. Collection method: clinical testing. Allele origin: germline.
Comment: This variant is classified as likely benign based on ACMG/AMP sequence variant interpretation guidelines (Richards et al. 2015 PMID: 25741868, with internal and published modifications).

Blueprint Genetics
Classification: Likely benign. Last evaluated: 2022-06-07. Review status: criteria provided, single submitter. Criteria: ACMG Guidelines, 2015. Collection method: clinical testing. Allele origin: germline.